The following is an entry in ClinVar:

ClinVar aggregate classification (germline): Uncertain significance. Review status: criteria provided, multiple submitters, no conflicts (2 of 4 stars). 2 submissions from 2 submitters: Uncertain significance (2). Last evaluated 2024-06-24.

Conditions:
Multiple acyl-CoA dehydrogenase deficiency (MADD). Also called: Glutaric Acidemia type 2; ETHYLMALONIC-ADIPICACIDURIA; GA II; Glutaric acidemia type II; GA 2; Glutaric aciduria, type 2. Identifiers: Orphanet 26791, MedGen C0268596, MONDO:0009282, OMIM 231680.

Allele frequency attached by ClinVar (database versions not stated): gnomAD exomes 0.00001; ExAC 0.00002; TOPMed 0.00003; gnomAD 0.00005; 1000 Genomes Project 0.00020; 1000 Genomes Project 30x 0.00031.
gnomAD v4.1: 22 of 1,613,102 alleles (0.0014%); highest among the groups gnomAD compares: African/African-American, 0.019%; no homozygotes.

Submissions (2):

Blueprint Genetics
Classification: Uncertain significance. Last evaluated: 2024-06-24. Review status: criteria provided, single submitter. Criteria: ACMG Guidelines, 2015. Collection method: clinical testing. Allele origin: germline.

Labcorp Genetics (formerly Invitae), Labcorp
Classification: Uncertain significance for Multiple acyl-CoA dehydrogenase deficiency. Last evaluated: 2021-12-25. Review status: criteria provided, single submitter. Criteria: Invitae Variant Classification Sherloc (09022015). Collection method: clinical testing. Allele origin: germline.
Comment: This sequence change replaces serine, which is neutral and polar, with asparagine, which is neutral and polar, at codon 598 of the ETFDH protein (p.Ser598Asn). This variant is present in population databases (rs534095599, gnomAD 0.01%). This variant has not been reported in the literature in individuals affected with ETFDH-related conditions. Advanced modeling of protein sequence and biophysical properties (such as structural, functional, and spatial information, amino acid conservation, physicochemical variation, residue mobility, and thermodynamic stability) performed at Invitae indicates that this missense variant is not expected to disrupt ETFDH protein function. In summary, the available evidence is currently insufficient to determine the role of this variant in disease. Therefore, it has been classified as a Variant of Uncertain Significance.

NM_004453.4(ETFDH):c.1793G>A (p.Ser598Asn)

Gene: ETFDH (electron transfer flavoprotein dehydrogenase; plus strand). Cytogenetic location: 4q32.1.
Variant type: single nucleotide variant.
Coding change: c.1793G>A on transcript NM_004453.4 (MANE Select); coding-DNA position 1793, G replaced by A.
Protein change: p.Ser598Asn; replaces serine 598 with asparagine.
Molecular consequence: missense variant.
Genome position (GRCh38, 1-based): chr4:158,708,466, G>A. VCF-style: chr4-158708466-G-A. GRCh37 (hg19) VCF-style: chr4-159629618-G-A.
Other names: c.1652G>A, p.Ser551Asn (NM_001281737.2); c.1610G>A, p.Ser537Asn (NM_001281738.1); short protein forms S598N, S551N, S537N.
Identifiers: ClinVar variation 2140142 (VCV002140142.2), dbSNP rs534095599, ClinGen allele CA3122725.